The following is an entry in ClinVar:

ClinVar aggregate classification (germline): Benign/Likely benign. Review status: criteria provided, multiple submitters, no conflicts (2 of 4 stars). 6 submissions from 6 submitters: Benign (4); Likely benign (1). 1 of the submissions does not count toward it. Last evaluated 2026-01-27.

Conditions:
CACNA1C-related disorder. Also called: CACNA1C-related disorders; CACNA1C-related condition. Identifiers: MONDO:0700321, MedGen CN381092.
Long QT syndrome (LQTS). Identifiers: MedGen C0023976, MeSH D008133, MONDO:0002442. Disease mechanism: loss of function. Inheritance: Various modes of inheritance.

Allele frequency attached by ClinVar (database versions not stated): ESP Exome Variant Server 0.00016; ExAC 0.00017; TOPMed 0.00031; gnomAD 0.00022 and 0.00023.
gnomAD v4.1: 474 of 1,583,480 alleles (0.03%); highest among the groups gnomAD compares: Non-Finnish European, 0.033%; no homozygotes.

Submissions (6):

Labcorp Genetics (formerly Invitae), Labcorp
Classification: Benign for Long QT syndrome. Last evaluated: 2026-01-27. Review status: criteria provided, single submitter. Criteria: Invitae Variant Classification Sherloc (09022015). Collection method: clinical testing. Allele origin: germline.

Molecular Diagnostic Laboratory for Inherited Cardiovascular Disease, Montreal Heart Institute
Classification: Benign. Last evaluated: 2025-04-09. Review status: criteria provided, single submitter. Criteria: ACMG Guidelines, 2015. Collection method: clinical testing. Allele origin: germline. Affected: no.

Blueprint Genetics
Classification: Likely benign. Last evaluated: 2024-11-13. Review status: criteria provided, single submitter. Criteria: ACMG Guidelines, 2015. Collection method: clinical testing. Allele origin: germline.

Women's Health and Genetics/Laboratory Corporation of America, LabCorp
Classification: Benign. Last evaluated: 2021-03-25. Review status: criteria provided, single submitter. Criteria: LabCorp Variant Classification Summary - May 2015. Collection method: clinical testing. Allele origin: germline.
Comment: Variant summary: CACNA1C c.4726+9G>A alters a nucleotide located close to a canonical splice site and therefore could affect mRNA splicing, leading to a significantly altered protein sequence. 4/4 computational tools predict no significant impact on normal splicing. However, these predictions have yet to be confirmed by functional studies. The variant allele was found at a frequency of 0.0002 in 249784 control chromosomes. The observed variant frequency is approximately 20 fold of the estimated maximal expected allele frequency for a pathogenic variant in CACNA1C causing Timothy Syndrome phenotype (1e-05), strongly suggesting that the variant is benign. To our knowledge, no occurrence of c.4726+9G>A in individuals affected with Timothy Syndrome and no experimental evidence demonstrating its impact on protein function have been reported. Two clinical diagnostic laboratories have submitted clinical-significance assessments for this variant to ClinVar after 2014 without evidence for independent evaluation. Both laboratories classified the variant as benign. Based on the evidence outlined above, the variant was classified as benign.

GeneDx
Classification: Benign. Last evaluated: 2015-03-31. Review status: criteria provided, single submitter. Criteria: GeneDx Variant Classification (06012015). Collection method: clinical testing. Allele origin: germline. Affected: yes.
Comment: This variant is considered likely benign or benign based on one or more of the following criteria: it is a conservative change, it occurs at a poorly conserved position in the protein, it is predicted to be benign by multiple in silico algorithms, and/or has population frequency not consistent with disease.

PreventionGenetics, part of Exact Sciences
Classification: Likely benign for CACNA1C-related condition. Last evaluated: 2019-07-16. Review status: no assertion criteria provided. Collection method: clinical testing. Allele origin: germline. Not counted in ClinVar's aggregate classification.
Comment: This variant is classified as likely benign based on ACMG/AMP sequence variant interpretation guidelines (Richards et al. 2015 PMID: 25741868, with internal and published modifications).

NM_000719.7(CACNA1C):c.4726+9G>A

Genes: CACNA1C (calcium voltage-gated channel subunit alpha1 C; plus strand), CACNA1C-AS2 (CACNA1C antisense RNA 2; minus strand). Cytogenetic location: 12p13.33.
Variant type: single nucleotide variant.
Coding change: c.4726+9G>A on transcript NM_000719.7 (MANE Select); 9 bases into the intron after coding-DNA position 4726, G replaced by A.
Molecular consequence: intron variant.
Genome position (GRCh38, 1-based): chr12:2,669,044, G>A. VCF-style: chr12-2669044-G-A. GRCh37 (hg19) VCF-style: chr12-2778210-G-A.
Other names: c.4726+9G>A (NM_001167624.3, NM_001167623.2, NM_001129840.2 and 7 more transcripts); c.4693+9G>A (NM_001167625.2, NM_001129837.2, NM_001129838.2 and 1 more transcripts); c.4870+9G>A (NM_199460.4, NM_001129827.2); c.4786+9G>A (NM_001129832.2); c.4810+9G>A (NM_001129831.2); c.4792+9G>A (NM_001129829.2); c.4687+9G>A (NM_001129839.2); c.4777+9G>A (NM_001129836.2); and 1 more.
Identifiers: ClinVar variation 308156 (VCV000308156.17), dbSNP rs369267978, ClinGen allele CA6389594.